The following is an entry in ClinVar:

NM_194454.3(KRIT1):c.2134del (p.Thr712fs)

Gene: KRIT1 (KRIT1 ankyrin repeat containing; minus strand). Cytogenetic location: 7q21.2.
Variant type: Deletion.
Coding change: c.2134del on transcript NM_194454.3 (MANE Select); coding-DNA position 2134, one base deleted (A; older notation c.2134delA).
Protein change: p.Thr712fs; shifts the reading frame from threonine 712.
Molecular consequence: frameshift variant.
Genome position (GRCh38, 1-based): chr7:92,201,315, T deleted on the plus strand (A on the coding strand, the reverse complement: KRIT1 is on the minus strand). VCF-style (leftmost placement, unchanged base first): chr7-92201314-GT-G. GRCh37 (hg19) VCF-style: chr7-91830628-GT-G.
Other names: c.1990del, p.Thr664fs (NM_001013406.2, NM_001350669.1, NM_001350670.1); c.1420del, p.Thr474fs (NM_001350671.1); c.2134del, p.Thr712fs (NM_001350672.1, NM_001350673.1, NM_001350674.1 and 26 more transcripts); short protein forms T474fs, T664fs, T712fs.
Identifiers: ClinVar variation 1410023 (VCV001410023.8), dbSNP rs2131087593, ClinGen allele CA2573142409.

ClinVar aggregate classification (germline): Likely pathogenic (1 of 4 stars; one submission).

Conditions:
Cerebral cavernous malformation (CCM). Also called: Cerebral cavernous malformations; Cavernous Hemangioma of Brain; CAVERNOUS ANGIOMA, FAMILIAL; CAVERNOUS ANGIOMATOUS MALFORMATIONS; CEREBRAL CAPILLARY MALFORMATIONS; Cerebral cavernous hemangioma (type). Identifiers: Orphanet 221061, MedGen C2919945, MONDO:0000820, OMIM 116860, HP:0033522.

Submission:

Labcorp Genetics (formerly Invitae), Labcorp
Classification: Likely pathogenic for Cerebral cavernous malformation. Last evaluated: 2022-10-28. Review status: criteria provided, single submitter. Criteria: Invitae Variant Classification Sherloc (09022015). Collection method: clinical testing. Allele origin: germline.
Comment: This sequence change creates a premature translational stop signal (p.Thr712Glnfs*8) in the KRIT1 gene. While this is not anticipated to result in nonsense mediated decay, it is expected to disrupt the last 25 amino acid(s) of the KRIT1 protein. This variant is not present in population databases (gnomAD no frequency). This premature translational stop signal has been observed in individual(s) with cerebral cavernous malformations (Invitae). ClinVar contains an entry for this variant (Variation ID: 1410023). Algorithms developed to predict the effect of sequence changes on RNA splicing suggest that this variant may create or strengthen a splice site. This variant disrupts the C-terminus of the KRIT1 protein. Other variant(s) that disrupt this region (p.Gln714*, p.Gln714Thrfs*20, p.Leu722*) have been observed in individuals with KRIT1-related conditions (PMID: 16321204, 18380023; Invitae). This suggests that this may be a clinically significant region of the protein. In summary, the currently available evidence indicates that the variant is pathogenic, but additional data are needed to prove that conclusively. Therefore, this variant has been classified as Likely Pathogenic.

Literature cited by the submitters: PubMed 16321204; PubMed 18380023.